The following is an entry in ClinVar:

NM_002474.3(MYH11):c.3054G>A (p.Glu1018=)

Gene: MYH11 (myosin heavy chain 11; minus strand). Cytogenetic location: 16p13.11.
Variant type: single nucleotide variant.
Coding change: c.3054G>A on transcript NM_002474.3 (MANE Select); coding-DNA position 3054, G replaced by A.
Protein change: p.Glu1018=; no amino-acid change (glutamic acid 1018 retained).
Molecular consequence: synonymous variant.
Genome position (GRCh38, 1-based): chr16:15,738,632, C>T on the plus strand (G>A on the coding strand, the complement: MYH11 is on the minus strand). VCF-style: chr16-15738632-C-T. GRCh37 (hg19) VCF-style: chr16-15832489-C-T.
Other names: c.3075G>A, p.Glu1025= (NM_001040113.2, NM_001040114.2); c.3054G>A, p.Glu1018= (NM_022844.3).
Identifiers: ClinVar variation 698242 (VCV000698242.17), dbSNP rs760751310, ClinGen allele CA7922101.

ClinVar aggregate classification (germline): Likely benign. Review status: criteria provided, multiple submitters, no conflicts (2 of 4 stars). 6 submissions from 6 submitters: Likely benign (6). Last evaluated 2025-07-02.

Conditions:
Aortic aneurysm, familial thoracic 4 (AAT4). Also called: AORTIC ANEURYSM/AORTIC DISSECTION AND PATENT DUCTUS ARTERIOSUS. Identifiers: MedGen C1851504, MONDO:0007568, OMIM 132900.
Familial thoracic aortic aneurysm and aortic dissection (TAAD). Also called: Thoracic aortic aneurysms and dissections. Identifiers: Orphanet 91387, MedGen C4707243, MONDO:0019625.

Allele frequency attached by ClinVar (database versions not stated): gnomAD exomes 0.00001; ExAC 0.00002; gnomAD 0.00005; TOPMed 0.00005.
gnomAD v4.1: 11 of 1,613,940 alleles (0.00068%); highest among the groups gnomAD compares: African/African-American, 0.0093%; no homozygotes.

Submissions (6):

ARUP Laboratories, Molecular Genetics and Genomics, ARUP Laboratories
Classification: Likely benign. Last evaluated: 2025-07-02. Review status: criteria provided, single submitter. Criteria: ARUP Molecular Germline Variant Investigation Process 2024. Collection method: clinical testing. Allele origin: germline.

Labcorp Genetics (formerly Invitae), Labcorp
Classification: Likely benign for Aortic aneurysm, familial thoracic 4. Last evaluated: 2024-08-15. Review status: criteria provided, single submitter. Criteria: Invitae Variant Classification Sherloc (09022015). Collection method: clinical testing. Allele origin: germline.

All of Us Research Program, National Institutes of Health
Classification: Likely benign for Familial thoracic aortic aneurysm and aortic dissection. Last evaluated: 2023-12-18. Review status: criteria provided, single submitter. Criteria: ACMG Guidelines, 2015. Collection method: clinical testing. Allele origin: germline. Inheritance: Autosomal dominant inheritance. Observed: 5 variant alleles, 5 heterozygotes.
Comment: This study involves interpretation of variants in research participants for the purpose of population health screening. Participant phenotype was not available at the time of variant classification. Additional details can be found in publication PMID: 35346344, PMCID: PMC8962531

Color Diagnostics, LLC DBA Color Health
Classification: Likely benign for Familial thoracic aortic aneurysm and aortic dissection. Last evaluated: 2022-11-06. Review status: criteria provided, single submitter. Criteria: ACMG Guidelines, 2015. Collection method: clinical testing. Allele origin: germline.

Ambry Genetics
Classification: Likely benign for Familial thoracic aortic aneurysm and aortic dissection. Last evaluated: 2021-01-24. Review status: criteria provided, single submitter. Criteria: Ambry Variant Classification Scheme 2023. Collection method: clinical testing. Allele origin: germline.

Breakthrough Genomics
Classification: Likely benign. Review status: criteria provided, single submitter. Criteria: ACMG Guidelines, 2015. Collection method: not provided. Allele origin: germline. Inheritance: Autosomal recessive inheritance. Affected: yes.